The following is an entry in ClinVar:

ClinVar aggregate classification (germline): Uncertain significance (1 of 4 stars; one submission).

Submission:

GeneDx
Classification: Uncertain significance. Last evaluated: 2023-01-31. Review status: criteria provided, single submitter. Criteria: GeneDx Variant Classification Process June 2021. Collection method: clinical testing. Allele origin: germline. Affected: yes.
Comment: Not observed at significant frequency in large population cohorts (gnomAD); In silico analysis supports a deleterious effect on splicing; Has not been previously published as pathogenic or benign to our knowledge

NM_001042424.3(NSD2):c.1757-3C>T

Gene: NSD2 (nuclear receptor binding SET domain protein 2; plus strand). Cytogenetic location: 4p16.3.
Variant type: single nucleotide variant.
Coding change: c.1757-3C>T on transcript NM_001042424.3 (MANE Select); 3 bases into the intron before coding-DNA position 1757, C replaced by T.
Molecular consequence: intron variant.
Genome position (GRCh38, 1-based): chr4:1,939,651, C>T. VCF-style: chr4-1939651-C-T. GRCh37 (hg19) VCF-style: chr4-1941378-C-T.
Other names: c.1757-3C>T (NM_001440892.1, NM_001440894.1, NM_001440895.1 and 6 more transcripts); c.1856-3C>T (NM_001440893.1); c.788-3C>T (NM_001440900.1, NM_001440899.1); c.1674+4389C>T (NM_001440897.1, NM_001440898.1).
Identifiers: ClinVar variation 2575767 (VCV002575767.1), dbSNP rs2474511190, ClinGen allele CA2580616057.